The following is an entry in ClinVar:

ClinVar aggregate classification (germline): Uncertain significance (1 of 4 stars; one submission).

Conditions:
Hyper-IgE recurrent infection syndrome 3, autosomal recessive. Also called: Autosomal recessive hyper-IgE syndrome due to ZNF341 deficiency; HYPER-IgE SYNDROME 3, AUTOSOMAL RECESSIVE, WITH RECURRENT INFECTIONS. Identifiers: Orphanet 641368, MedGen C4748969, MONDO:0032654, OMIM 618282.

Submission:

Labcorp Genetics (formerly Invitae), Labcorp
Classification: Uncertain significance for Combined immunodeficiency due to DOCK8 deficiency. Last evaluated: 2020-03-07. Review status: criteria provided, single submitter. Criteria: Invitae Variant Classification Sherloc (09022015). Collection method: clinical testing. Allele origin: germline.
Comment: In summary, the available evidence is currently insufficient to determine the role of this variant in disease. Therefore, it has been classified as a Variant of Uncertain Significance. Experimental studies and prediction algorithms are not available or were not evaluated, and the functional significance of this variant is currently unknown. This variant has not been reported in the literature in individuals with DOCK8-related conditions. This variant is a gross deletion of the genomic region encompassing exons 45-48 of the DOCK8 gene. The 5' boundary is likely confined to intron 44. The 3' end of this event is unknown as it extends through the termination codon beyond the assayed region for this gene and may encompass additional genes. While this deletion is not anticipated to result in nonsense mediated decay, it is expected to create a truncated protein product or disrupt mRNA translation.

NC_000009.11:g.(?_449764)_(464239_?)del

Gene: DOCK8 (dedicator of cytokinesis 8; plus strand). Cytogenetic location: 9p24.3.
Variant type: Deletion.
Identifiers: ClinVar variation 1016383 (VCV001016383.9).